The following is an entry in ClinVar:

ClinVar aggregate classification (germline): Uncertain significance. Review status: criteria provided, multiple submitters, no conflicts (2 of 4 stars). 2 submissions from 2 submitters: Uncertain significance (2). Last evaluated 2024-10-08.

Conditions:
Combined immunodeficiency due to OX40 deficiency. Also called: OX40 DEFICIENCY; Immunodeficiency 16. Identifiers: Orphanet 431149, MedGen C3810053, MONDO:0014268, OMIM 615593.

Allele frequency attached by ClinVar (database versions not stated): gnomAD 0.00001; TOPMed 0.00001.
gnomAD v4.1: 14 of 1,578,438 alleles (0.00089%); highest among the groups gnomAD compares: Middle Eastern, 0.018%; no homozygotes.

Submissions (2):

Ambry Genetics
Classification: Uncertain significance. Last evaluated: 2024-10-08. Review status: criteria provided, single submitter. Criteria: Ambry Variant Classification Scheme 2023. Collection method: clinical testing. Allele origin: germline.

Labcorp Genetics (formerly Invitae), Labcorp
Classification: Uncertain significance for Combined immunodeficiency due to OX40 deficiency. Last evaluated: 2022-09-26. Review status: criteria provided, single submitter. Criteria: Invitae Variant Classification Sherloc (09022015). Collection method: clinical testing. Allele origin: germline.
Comment: This sequence change replaces proline, which is neutral and non-polar, with serine, which is neutral and polar, at codon 129 of the TNFRSF4 protein (p.Pro129Ser). This variant is present in population databases (no rsID available, gnomAD 0.001%). This variant has not been reported in the literature in individuals affected with TNFRSF4-related conditions. Advanced modeling of protein sequence and biophysical properties (such as structural, functional, and spatial information, amino acid conservation, physicochemical variation, residue mobility, and thermodynamic stability) performed at Invitae indicates that this missense variant is not expected to disrupt TNFRSF4 protein function. In summary, the available evidence is currently insufficient to determine the role of this variant in disease. Therefore, it has been classified as a Variant of Uncertain Significance.

NM_003327.4(TNFRSF4):c.385C>T (p.Pro129Ser)

Gene: TNFRSF4 (TNF receptor superfamily member 4; minus strand). Cytogenetic location: 1p36.33.
Variant type: single nucleotide variant.
Coding change: c.385C>T on transcript NM_003327.4 (MANE Select); coding-DNA position 385, C replaced by T.
Protein change: p.Pro129Ser; replaces proline 129 with serine.
Molecular consequence: missense variant.
Genome position (GRCh38, 1-based): chr1:1,212,690, G>A on the plus strand (C>T on the coding strand, the complement: TNFRSF4 is on the minus strand). VCF-style: chr1-1212690-G-A. GRCh37 (hg19) VCF-style: chr1-1148070-G-A.
Other names: c.385C>T, p.Pro129Ser (NM_001410709.1); c.385C>T (NM_003327.3); short protein forms P129S.
Identifiers: ClinVar variation 2142356 (VCV002142356.5), dbSNP rs987909005, ClinGen allele CA16732261.